The following is an entry in ClinVar:

NM_000141.5(FGFR2):c.2293A>G (p.Thr765Ala)

Gene: FGFR2 (fibroblast growth factor receptor 2; minus strand). Cytogenetic location: 10q26.13.
Variant type: single nucleotide variant.
Coding change: c.2293A>G on transcript NM_000141.5 (MANE Select); coding-DNA position 2293, A replaced by G.
Protein change: p.Thr765Ala; replaces threonine 765 with alanine.
Molecular consequence: missense variant. On other transcripts: non-coding transcript variant (1).
Genome position (GRCh38, 1-based): chr10:121,483,706, T>C on the plus strand (A>G on the coding strand, the complement: FGFR2 is on the minus strand). VCF-style: chr10-121483706-T-C. GRCh37 (hg19) VCF-style: chr10-123243220-T-C.
Other names: c.2296A>G, p.Thr766Ala (NM_001144913.1, NM_022970.4); c.1957A>G, p.Thr653Ala (NM_001144914.1); c.2026A>G, p.Thr676Ala (NM_001144915.2, NM_023029.3); c.1948A>G, p.Thr650Ala (NM_001144916.2, NM_001441090.1); c.1945A>G, p.Thr649Ala (NM_001144917.2); c.1942A>G, p.Thr648Ala (NM_001144918.2, NM_001441091.1); c.2029A>G, p.Thr677Ala (NM_001144919.2); c.1609A>G, p.Thr537Ala (NM_001320654.2); and 4 more; short protein forms T648A, T653A, T766A, T649A, T650A, T675A, T676A, T677A.
Identifiers: ClinVar variation 4706376 (VCV004706376.1).

ClinVar aggregate classification (germline): Uncertain significance (1 of 4 stars; one submission).

Conditions:
FGFR2-related craniosynostosis. Identifiers: MedGen CN231480.

gnomAD v4.1: 2 of 1,613,366 alleles (0.00012%); highest among the groups gnomAD compares: Non-Finnish European, 0.00017%; no homozygotes.

Submission:

Labcorp Genetics (formerly Invitae), Labcorp
Classification: Uncertain significance for FGFR2-related craniosynostosis. Last evaluated: 2025-12-24. Review status: criteria provided, single submitter. Criteria: Invitae Variant Classification Sherloc (09022015). Collection method: clinical testing. Allele origin: germline.
Comment: This sequence change replaces threonine, which is neutral and polar, with alanine, which is neutral and non-polar, at codon 765 of the FGFR2 protein (p.Thr765Ala). This variant is not present in population databases (gnomAD no frequency). This variant has not been reported in the literature in individuals affected with FGFR2-related conditions. Invitae Evidence Modeling of protein sequence and biophysical properties (such as structural, functional, and spatial information, amino acid conservation, physicochemical variation, residue mobility, and thermodynamic stability) indicates that this missense variant is not expected to disrupt FGFR2 protein function with a negative predictive value of 80%. In summary, the available evidence is currently insufficient to determine the role of this variant in disease. Therefore, it has been classified as a Variant of Uncertain Significance.